The following is an entry in ClinVar:

NM_014844.5(TECPR2):c.51C>G (p.Tyr17Ter)

Gene: TECPR2 (tectonin beta-propeller repeat containing 2; plus strand). Cytogenetic location: 14q32.31.
Variant type: single nucleotide variant.
Coding change: c.51C>G on transcript NM_014844.5 (MANE Select); coding-DNA position 51, C replaced by G.
Protein change: p.Tyr17Ter; replaces tyrosine 17 with a stop codon.
Molecular consequence: nonsense.
Genome position (GRCh38, 1-based): chr14:102,376,772, C>G. VCF-style: chr14-102376772-C-G. GRCh37 (hg19) VCF-style: chr14-102843109-C-G.
Other names: c.51C>G, p.Tyr17Ter (NM_001172631.3); short protein forms Y17*.
Identifiers: ClinVar variation 2719341 (VCV002719341.3), dbSNP rs1395112297, ClinGen allele CA391040422.

ClinVar aggregate classification (germline): Pathogenic (1 of 4 stars; one submission).

Conditions:
Hereditary spastic paraplegia 49 (HSAN9). Also called: TECPR2-Related Hereditary Sensory and Autonomic Neuropathy with Intellectual Disability; NEUROPATHY, HEREDITARY SENSORY AND AUTONOMIC, TYPE IX, WITH DEVELOPMENTAL DELAY; Spastic paraplegia 49, autosomal recessive. Identifiers: Orphanet 320385, MedGen C5190860, MONDO:0014016, OMIM 615031.

gnomAD v4.1: 2 of 1,614,222 alleles (0.00012%); highest among the groups gnomAD compares: Admixed American, 0.0017%; no homozygotes.

Submission:

Labcorp Genetics (formerly Invitae), Labcorp
Classification: Pathogenic for Hereditary spastic paraplegia 49. Last evaluated: 2023-09-18. Review status: criteria provided, single submitter. Criteria: Invitae Variant Classification Sherloc (09022015). Collection method: clinical testing. Allele origin: germline.
Comment: For these reasons, this variant has been classified as Pathogenic. Algorithms developed to predict the effect of sequence changes on RNA splicing suggest that this variant may create or strengthen a splice site. This variant has not been reported in the literature in individuals affected with TECPR2-related conditions. This variant is present in population databases (no rsID available, gnomAD 0.003%). This sequence change creates a premature translational stop signal (p.Tyr17*) in the TECPR2 gene. It is expected to result in an absent or disrupted protein product. Loss-of-function variants in TECPR2 are known to be pathogenic (PMID: 23176824, 25590979).

Literature cited by the submitters: PubMed 23176824; PubMed 25590979.